The following is an entry in ClinVar:

NM_001377299.1(NDUFS2):c.628-17del

Gene: NDUFS2 (NADH:ubiquinone oxidoreductase core subunit S2; plus strand). Cytogenetic location: 1q23.3.
Variant type: Deletion.
Coding change: c.628-17del on transcript NM_001377299.1 (MANE Select); 17 bases into the intron before coding-DNA position 628, one base deleted (C; older notation c.628-17delC).
Molecular consequence: intron variant.
Genome position (GRCh38, 1-based): chr1:161,209,840, C deleted; the last of 3 consecutive C bases (chr1:161,209,838-161,209,840); deleting any one gives the same sequence. VCF-style (leftmost placement, unchanged base first): chr1-161209837-TC-T. GRCh37 (hg19) VCF-style: chr1-161179627-TC-T.
Other names: c.628-17del (NM_001377300.1, NM_001377298.1, NM_001377301.1 and 3 more transcripts).
Identifiers: ClinVar variation 1032908 (VCV001032908.9), dbSNP rs775653766, ClinGen allele CA1208638.

ClinVar aggregate classification (germline): Conflicting classifications of pathogenicity. Review status: criteria provided, conflicting classifications (1 of 4 stars). 2 submissions from 2 submitters: Uncertain significance (1); Likely benign (1). Last evaluated 2022-09-29.

Conditions:
Mitochondrial complex I deficiency, nuclear type 1. Also called: NADH-COENZYME Q REDUCTASE DEFICIENCY; MITOCHONDRIAL NADH DEHYDROGENASE COMPONENT OF COMPLEX I, DEFICIENCY OF. Identifiers: MedGen C6022305, MONDO:0100224, OMIM 252010.

Submissions (2):

Labcorp Genetics (formerly Invitae), Labcorp
Classification: Likely benign. Last evaluated: 2022-09-29. Review status: criteria provided, single submitter. Criteria: Invitae Variant Classification Sherloc (09022015). Collection method: clinical testing. Allele origin: germline.

Baylor Genetics
Classification: Uncertain significance for Mitochondrial complex I deficiency, nuclear type 1. Last evaluated: 2018-01-30. Review status: criteria provided, single submitter. Criteria: ACMG Guidelines, 2015. Collection method: clinical testing. Allele origin: paternal. Affected: yes.
Comment: This variant was determined to be of uncertain significance according to ACMG Guidelines, 2015 [PMID:25741868].